The following is an entry in ClinVar:

NM_001250.6(CD40):c.430G>A (p.Glu144Lys)

Gene: CD40 (CD40 molecule; plus strand). Cytogenetic location: 20q13.12.
Variant type: single nucleotide variant.
Coding change: c.430G>A on transcript NM_001250.6 (MANE Select); coding-DNA position 430, G replaced by A.
Protein change: p.Glu144Lys; replaces glutamic acid 144 with lysine.
Molecular consequence: missense variant. On other transcripts: intron variant (2).
Genome position (GRCh38, 1-based): chr20:46,123,152, G>A. VCF-style: chr20-46123152-G-A. GRCh37 (hg19) VCF-style: chr20-44751791-G-A.
Other names: c.430G>A, p.Glu144Lys (NM_001362758.2, NM_152854.4, NM_001302753.2 and 1 more transcripts); c.403+396G>A (NM_001424339.1, NM_001322422.2); short protein forms E144K.
Identifiers: ClinVar variation 3629833 (VCV003629833.1).

ClinVar aggregate classification (germline): Likely pathogenic (1 of 4 stars; one submission).

Conditions:
Hyper-IgM syndrome type 3. Also called: Hyper-IgM Immunodeficiency Syndrome, Type 3. Identifiers: Orphanet 101090, MedGen C1720957, MONDO:0011735, OMIM 606843.

Submission:

Women's Health and Genetics/Laboratory Corporation of America, LabCorp
Classification: Likely pathogenic for Hyper-IgM syndrome type 3. Last evaluated: 2024-11-04. Review status: criteria provided, single submitter. Criteria: LabCorp Variant Classification Summary - May 2015. Collection method: clinical testing. Allele origin: germline.
Comment: Variant summary: CD40 c.430G>A (p.Glu144Lys) results in a conservative amino acid change in the encoded protein sequence. Five of five in-silico tools predict a benign effect of the variant on protein function. The variant allele was found at a frequency of 4e-06 in 251486 control chromosomes (gnomAD). c.430G>A has been reported in the literature in at least one homozygous individual affected with Hyper IgM Syndrome Type 3 (Durandy_2012, Renner_2021, Banday_2023). One of these reports also performed immunological assessment of patient derived B cells, and demonstrated severely decreased memory B cells and absent switched memory B cells (Renner_2021). The following publications have been ascertained in the context of this evaluation (PMID: 22894609, 33276124, 38129705). No submitters have cited clinical-significance assessments for this variant to ClinVar. Based on the evidence outlined above, the variant was classified as likely pathogenic.

Literature cited by the submitters: PubMed 38129705; PubMed 22894609; PubMed 33276124.